The following is an entry in ClinVar:

NM_001205293.3(CACNA1E):c.6824G>T (p.Ser2275Ile)

Gene: CACNA1E (calcium voltage-gated channel subunit alpha1 E; plus strand). Cytogenetic location: 1q25.3.
Variant type: single nucleotide variant.
Coding change: c.6824G>T on transcript NM_001205293.3 (MANE Select); coding-DNA position 6824, G replaced by T.
Protein change: p.Ser2275Ile; replaces serine 2275 with isoleucine.
Molecular consequence: missense variant.
Genome position (GRCh38, 1-based): chr1:181,798,716, G>T. VCF-style: chr1-181798716-G-T. GRCh37 (hg19) VCF-style: chr1-181767852-G-T.
Other names: c.6695G>T, p.Ser2232Ile (NM_000721.4); c.6638G>T, p.Ser2213Ile (NM_001205294.2); short protein forms S2213I, S2232I, S2275I.
Identifiers: ClinVar variation 4821733 (VCV004821733.4).
Genomic context (GRCh38, chr1:181,798,716, plus strand): 5'-CCGTGGCTACTAGCCTGGGCCGTTCCAACACCATCGGCTCAGCCCCACCCCTGCGGCATA[G>T]CTGGCAGATGCCCAACGGGCACTATCGGCGGCGGAGGCGCGGGGGGCCTGGGCCAGGCAT-3'
Protein context (NP_001192222.1, residues 2265-2285): TIGSAPPLRH[Ser2275Ile]WQMPNGHYRR

ClinVar aggregate classification (germline): Uncertain significance (1 of 4 stars; one submission).

gnomAD v4.1: 1 of 1,608,682 alleles (0.000062%); highest among the groups gnomAD compares: Non-Finnish European, 0.000085%; no homozygotes.

Submission:

CeGaT Center for Human Genetics Tuebingen
Classification: Uncertain significance. Last evaluated: 2026-01-01. Review status: criteria provided, single submitter. Criteria: CeGaT Center For Human Genetics Tuebingen Variant Classification Criteria Version 2. Collection method: clinical testing. Allele origin: germline. Affected: yes. Observed: 1 variant allele.
Comment: CACNA1E: PM2